The following is an entry in ClinVar:

15q15.3 deletion

Gene: STRC (stereocilin; minus strand). Cytogenetic location: 15q15.3.
Variant type: Deletion.
Identifiers: ClinVar variation 236065 (VCV000236065.1).

ClinVar aggregate classification (germline): Pathogenic (0 of 4 stars; one submission).

Conditions:
Autosomal dominant nonsyndromic hearing loss 16. Also called: Deafness, autosomal dominant 16. Identifiers: Orphanet 90635, MedGen C1858916, MONDO:0011389, OMIM 603964.

Submission:

Laboratory of Prof. Karen Avraham, Tel Aviv University
Classification: Pathogenic for Autosomal dominant nonsyndromic hearing loss 16. Last evaluated: 2016-02-19. Review status: no assertion criteria provided. Collection method: research. Allele origin: germline. Affected: yes.
Comment: Congenital, moderate HL

NSHL; recessive, DFNB160.1 MB deletion